The following is an entry in ClinVar:

ClinVar aggregate classification (germline): Uncertain significance (1 of 4 stars; one submission).

Conditions:
Oligodontia-cancer predisposition syndrome. Also called: TOOTH AGENESIS-COLORECTAL CANCER SYNDROME. Identifiers: Orphanet 300576, MedGen C1837750, MONDO:0012075, OMIM 608615. Disease mechanism: loss of function.

Submission:

Labcorp Genetics (formerly Invitae), Labcorp
Classification: Uncertain significance for Oligodontia-cancer predisposition syndrome. Last evaluated: 2024-02-05. Review status: criteria provided, single submitter. Criteria: Invitae Variant Classification Sherloc (09022015). Collection method: clinical testing. Allele origin: germline.
Comment: This sequence change replaces histidine, which is basic and polar, with asparagine, which is neutral and polar, at codon 442 of the AXIN2 protein (p.His442Asn). This variant is not present in population databases (gnomAD no frequency). This variant has not been reported in the literature in individuals affected with AXIN2-related conditions. Advanced modeling of protein sequence and biophysical properties (such as structural, functional, and spatial information, amino acid conservation, physicochemical variation, residue mobility, and thermodynamic stability) performed at Invitae indicates that this missense variant is expected to disrupt AXIN2 protein function with a positive predictive value of 80%. In summary, the available evidence is currently insufficient to determine the role of this variant in disease. Therefore, it has been classified as a Variant of Uncertain Significance.

NM_004655.4(AXIN2):c.1324C>A (p.His442Asn)

Gene: AXIN2 (axin 2; minus strand). Cytogenetic location: 17q24.1.
Variant type: single nucleotide variant.
Coding change: c.1324C>A on transcript NM_004655.4 (MANE Select); coding-DNA position 1324, C replaced by A.
Protein change: p.His442Asn; replaces histidine 442 with asparagine.
Molecular consequence: missense variant.
Genome position (GRCh38, 1-based): chr17:65,537,712, G>T on the plus strand (C>A on the coding strand, the complement: AXIN2 is on the minus strand). VCF-style: chr17-65537712-G-T. GRCh37 (hg19) VCF-style: chr17-63533830-G-T.
Other names: c.1324C>A, p.His442Asn (NM_001363813.1); short protein forms H442N.
Identifiers: ClinVar variation 3638916 (VCV003638916.2).